The following is an entry in ClinVar:

NM_206933.4(USH2A):c.13811+72G>A

Gene: USH2A (usherin; minus strand). Cytogenetic location: 1q41.
Variant type: single nucleotide variant.
Coding change: c.13811+72G>A on transcript NM_206933.4 (MANE Select); 72 bases into the intron after coding-DNA position 13811, G replaced by A.
Molecular consequence: intron variant.
Genome position (GRCh38, 1-based): chr1:215,674,028, C>T on the plus strand (G>A on the coding strand, the complement: USH2A is on the minus strand). VCF-style: chr1-215674028-C-T. GRCh37 (hg19) VCF-style: chr1-215847370-C-T.
Identifiers: ClinVar variation 679514 (VCV000679514.2), dbSNP rs74527030, ClinGen allele CA37412024.
Genomic context (GRCh38, chr1:215,674,028, plus strand): 5'-CGTTTAGGTGGATGGAGGTTGGGGACACCTTGCATCCCATTTTTAGAGTCTTCATTAGAA[C>T]TGACCAAGGGCTCAGGCAATAGAAAGGTCAGCAGTGGCTTACTCTCAGAAAACCGAGACA-3'

ClinVar aggregate classification (germline): Benign. Review status: criteria provided, multiple submitters, no conflicts (2 of 4 stars). 2 submissions from 2 submitters: Benign (2). Last evaluated 2018-06-16.

Allele frequency attached by ClinVar (database versions not stated): gnomAD 0.02134 and 0.02277; TOPMed 0.02359; 1000 Genomes Project 0.02476; 1000 Genomes Project 30x 0.02514.
gnomAD v4.1: 6,613 of 1,612,696 alleles (0.41%); highest among the groups gnomAD compares: African/African-American, 7.6%; 225 homozygotes.

Submissions (2):

GeneDx
Classification: Benign. Last evaluated: 2018-06-16. Review status: criteria provided, single submitter. Criteria: GeneDx Variant Classification (06012015). Collection method: clinical testing. Allele origin: germline. Affected: yes.
Comment: This variant is considered likely benign or benign based on one or more of the following criteria: it is a conservative change, it occurs at a poorly conserved position in the protein, it is predicted to be benign by multiple in silico algorithms, and/or has population frequency not consistent with disease.

Breakthrough Genomics
Classification: Benign. Review status: criteria provided, single submitter. Criteria: ACMG Guidelines, 2015. Collection method: not provided. Allele origin: germline. Inheritance: Autosomal recessive inheritance. Affected: yes.